The following is an entry in ClinVar:

ClinVar aggregate classification (germline): Uncertain significance (1 of 4 stars; one submission).

Conditions:
Nemaline myopathy 2 (NEM2). Also called: Nemaline myopathy 2, autosomal recessive. Identifiers: MedGen C1850569, MONDO:0009725, OMIM 256030.

Submission:

Labcorp Genetics (formerly Invitae), Labcorp
Classification: Uncertain significance for Nemaline myopathy 2. Last evaluated: 2021-10-20. Review status: criteria provided, single submitter. Criteria: Invitae Variant Classification Sherloc (09022015). Collection method: clinical testing. Allele origin: germline.
Comment: This variant has not been reported in the literature in individuals affected with NEB-related conditions. In summary, the available evidence is currently insufficient to determine the role of this variant in disease. Therefore, it has been classified as a Variant of Uncertain Significance. Algorithms developed to predict the effect of missense changes on protein structure and function are either unavailable or do not agree on the potential impact of this missense change (SIFT: "Deleterious"; PolyPhen-2: "Not Available"; Align-GVGD: "Class C0"). This variant is not present in population databases (ExAC no frequency). This sequence change replaces methionine with arginine at codon 969 of the NEB protein (p.Met969Arg). The methionine residue is moderately conserved and there is a moderate physicochemical difference between methionine and arginine.

NM_001164508.2(NEB):c.2906T>G (p.Met969Arg)

Gene: NEB (nebulin; minus strand). Cytogenetic location: 2q23.3.
Variant type: single nucleotide variant.
Coding change: c.2906T>G on transcript NM_001164508.2 (MANE Select); coding-DNA position 2906, T replaced by G.
Protein change: p.Met969Arg; replaces methionine 969 with arginine.
Molecular consequence: missense variant.
Genome position (GRCh38, 1-based): chr2:151,682,699, A>C on the plus strand (T>G on the coding strand, the complement: NEB is on the minus strand). VCF-style: chr2-151682699-A-C. GRCh37 (hg19) VCF-style: chr2-152539213-A-C.
Other names: c.2906T>G, p.Met969Arg (NM_001164507.2, NM_001271208.2, NM_004543.5); short protein forms M969R.
Identifiers: ClinVar variation 1371925 (VCV001371925.6), dbSNP rs2099429603, ClinGen allele CA348821461.